The following is an entry in ClinVar:

NM_003823.4(TNFRSF6B):c.364C>T (p.His122Tyr)

Genes: TNFRSF6B (TNF receptor superfamily member 6b; plus strand), RTEL1 (regulator of telomere elongation helicase 1; plus strand), RTEL1-TNFRSF6B (RTEL1-TNFRSF6B readthrough (NMD candidate); plus strand). Cytogenetic location: 20q13.33.
Variant type: single nucleotide variant.
Coding change: c.364C>T on transcript NM_003823.4 (MANE Select); coding-DNA position 364, C replaced by T.
Protein change: p.His122Tyr; replaces histidine 122 with tyrosine.
Molecular consequence: missense variant. On other transcripts: non-coding transcript variant (1).
Genome position (GRCh38, 1-based): chr20:63,697,131, C>T. VCF-style: chr20-63697131-C-T. GRCh37 (hg19) VCF-style: chr20-62328484-C-T.
Other names: short protein forms H122Y.
Identifiers: ClinVar variation 551842 (VCV000551842.6), dbSNP rs750153793, ClinGen allele CA9966426.

ClinVar aggregate classification (germline): Uncertain significance. Review status: criteria provided, single submitter (1 of 4 stars). 2 submissions from 2 submitters: Uncertain significance (1). 1 of the submissions does not count toward it. Last evaluated 2025-01-07.

Conditions:
Dyskeratosis congenita, autosomal recessive 5 (DKCB5). Identifiers: MedGen C3554656, MONDO:0014076, OMIM 615190.

Allele frequency attached by ClinVar (database versions not stated): gnomAD 0.00001 and 0.00003; gnomAD exomes 0.00002 and 0.00007; TOPMed 0.00005; ExAC 0.00009.

Submissions (2):

Labcorp Genetics (formerly Invitae), Labcorp
Classification: Uncertain significance. Last evaluated: 2025-01-07. Review status: criteria provided, single submitter. Criteria: Invitae Variant Classification Sherloc (09022015). Collection method: clinical testing. Allele origin: germline.
Comment: This sequence change replaces histidine, which is basic and polar, with tyrosine, which is neutral and polar, at codon 122 of the TNFRSF6B protein (p.His122Tyr). This variant is present in population databases (rs750153793, gnomAD 0.06%). This missense change has been observed in individual(s) with systemic lupus erythematosus (PMID: 23729807). ClinVar contains an entry for this variant (Variation ID: 551842). An algorithm developed to predict the effect of missense changes on protein structure and function (PolyPhen-2) suggests that this variant is likely to be tolerated. Experimental studies have shown that this missense change affects TNFRSF6B function (PMID: 23729807). In summary, the available evidence is currently insufficient to determine the role of this variant in disease. Therefore, it has been classified as a Variant of Uncertain Significance.

Counsyl
Classification: Uncertain significance for Dyskeratosis congenita, autosomal recessive 5. Last evaluated: 2017-05-09. Review status: no assertion criteria provided. Collection method: clinical testing. Allele origin: unknown. Not counted in ClinVar's aggregate classification.

Literature cited by the submitters: PubMed 23729807 (cited by Labcorp Genetics (formerly Invitae), Labcorp).